The following is an entry in ClinVar:

NM_001042432.2(CLN3):c.307G>A (p.Ala103Thr)

Gene: CLN3 (CLN3 lysosomal/endosomal transmembrane protein, battenin; minus strand). Cytogenetic location: 16p12.1.
Variant type: single nucleotide variant.
Coding change: c.307G>A on transcript NM_001042432.2 (MANE Select); coding-DNA position 307, G replaced by A.
Protein change: p.Ala103Thr; replaces alanine 103 with threonine.
Molecular consequence: missense variant. On other transcripts: intron variant (1).
Genome position (GRCh38, 1-based): chr16:28,487,729, C>T on the plus strand (G>A on the coding strand, the complement: CLN3 is on the minus strand). VCF-style: chr16-28487729-C-T. GRCh37 (hg19) VCF-style: chr16-28499050-C-T.
Other names: c.307G>A, p.Ala103Thr (NM_000086.2); c.235G>A, p.Ala79Thr (NM_001286104.2); c.73G>A, p.Ala25Thr (NM_001286109.2); c.145G>A, p.Ala49Thr (NM_001286110.2); c.75-188G>A (NM_001286105.2); short protein forms A25T, A49T, A103T, A79T.
Identifiers: ClinVar variation 2013894 (VCV002013894.4), dbSNP rs1462511334, ClinGen allele CA395346140.
Genomic context (GRCh38, chr16:28,487,729, plus strand): 5'-GCAGCAGGTGAAGGCCAAGAGGAGCCAACAATTTGATGACGAGTGTGGGGAGGATGTCCG[C>T]CAGGAGCACAGCCTGGGACAGGAGAATAGAGTGAGACCGCAGAGCTTCCAGGGGACAACC-3'
Protein context (NP_001035897.1, residues 93-113): NSVSTAAVLL[Ala103Thr]DILPTLVIKL

ClinVar aggregate classification (germline): Uncertain significance (1 of 4 stars; one submission).

Conditions:
Neuronal ceroid lipofuscinosis. Also called: Neuronal Ceroid Lipofuscinoses. Identifiers: Orphanet 216, Orphanet 79263, MedGen C0027877, MONDO:0016295. Disease mechanism: loss of function.

Allele frequency attached by ClinVar (database versions not stated): gnomAD exomes below 0.00001.
gnomAD v4.1: 1 of 1,613,518 alleles (0.000062%); highest among the groups gnomAD compares: East Asian, 0.0022%; no homozygotes.

Submission:

Labcorp Genetics (formerly Invitae), Labcorp
Classification: Uncertain significance for Neuronal ceroid lipofuscinosis. Last evaluated: 2022-07-05. Review status: criteria provided, single submitter. Criteria: Invitae Variant Classification Sherloc (09022015). Collection method: clinical testing. Allele origin: germline.
Comment: This sequence change replaces alanine, which is neutral and non-polar, with threonine, which is neutral and polar, at codon 103 of the CLN3 protein (p.Ala103Thr). The frequency data for this variant in the population databases is considered unreliable, as metrics indicate poor data quality at this position in the gnomAD database. This variant has not been reported in the literature in individuals affected with CLN3-related conditions. Algorithms developed to predict the effect of missense changes on protein structure and function are either unavailable or do not agree on the potential impact of this missense change (SIFT: "Deleterious"; PolyPhen-2: "Probably Damaging"; Align-GVGD: "Class C0"). In summary, the available evidence is currently insufficient to determine the role of this variant in disease. Therefore, it has been classified as a Variant of Uncertain Significance.